The following is an entry in ClinVar:

NM_000051.4(ATM):c.2962A>T (p.Lys988Ter)

Gene: ATM (ATM serine/threonine kinase; plus strand). Cytogenetic location: 11q22.3.
Variant type: single nucleotide variant.
Coding change: c.2962A>T on transcript NM_000051.4 (MANE Select); coding-DNA position 2962, A replaced by T.
Protein change: p.Lys988Ter; replaces lysine 988 with a stop codon.
Molecular consequence: nonsense.
Genome position (GRCh38, 1-based): chr11:108,271,291, A>T. VCF-style: chr11-108271291-A-T. GRCh37 (hg19) VCF-style: chr11-108142018-A-T.
Other names: c.2962A>T, p.Lys988Ter (NM_001351834.2); short protein forms K988*.
Identifiers: ClinVar variation 1072369 (VCV001072369.7), dbSNP rs772327699, ClinGen allele CA382547232.
Genomic context (GRCh38, chr11:108,271,291, plus strand): 5'-TTTTTTTTTTTTTACCACAGCAATGTGTGTTCTTTGTATCGTCGTGACCAAGATGTTTGT[A>T]AAACTATTTTAAACCATGTCCTTCATGTAGTGAAAAACCTAGGTCAAAGCAATATGGACT-3'

ClinVar aggregate classification (germline): Pathogenic (1 of 4 stars; one submission).

Conditions:
Ataxia-telangiectasia syndrome (AT). Also called: LOUIS-BAR SYNDROME; Ataxia-telangiectasia, complementation group D; AT, COMPLEMENTATION GROUP C; Cerebello-oculocutaneous telangiectasia; Immunodeficiency with ataxia telangiectasia; ATAXIA-TELANGIECTASIA, COMPLEMENTATION GROUP A. Identifiers: Orphanet 100, MedGen C0004135, MONDO:0008840, OMIM 208900.

Submission:

Labcorp Genetics (formerly Invitae), Labcorp
Classification: Pathogenic for Ataxia-telangiectasia syndrome. Last evaluated: 2020-09-24. Review status: criteria provided, single submitter. Criteria: Invitae Variant Classification Sherloc (09022015). Collection method: clinical testing. Allele origin: germline.
Comment: This variant is not present in population databases (ExAC no frequency). This sequence change creates a premature translational stop signal (p.Lys988*) in the ATM gene. It is expected to result in an absent or disrupted protein product. For these reasons, this variant has been classified as Pathogenic. Loss-of-function variants in ATM are known to be pathogenic (PMID: 23807571, 25614872). This variant has not been reported in the literature in individuals with ATM-related conditions.

Literature cited by the submitters: PubMed 23807571; PubMed 25614872.